The following is an entry in ClinVar:

NM_000132.4(F8):c.6104T>C (p.Val2035Ala)

Gene: F8 (coagulation factor VIII; minus strand). Cytogenetic location: Xq28.
Variant type: single nucleotide variant.
Coding change: c.6104T>C on transcript NM_000132.4 (MANE Select); coding-DNA position 6104, T replaced by C.
Protein change: p.Val2035Ala; replaces valine 2035 with alanine.
Molecular consequence: missense variant.
Genome position (GRCh38, 1-based): chrX:154,902,062, A>G on the plus strand (T>C on the coding strand, the complement: F8 is on the minus strand). VCF-style: chrX-154902062-A-G. GRCh37 (hg19) VCF-style: chrX-154130337-A-G.
Other names: short protein forms V2035A.
Identifiers: ClinVar variation 627347 (VCV000627347.11), dbSNP rs1603432906, ClinGen allele CA414904555.

ClinVar aggregate classification (germline): Pathogenic. Review status: criteria provided, multiple submitters, no conflicts (2 of 4 stars). 4 submissions from 4 submitters: Pathogenic (3). 1 of the submissions does not count toward it. Last evaluated 2025-02-04.

Conditions:
Hereditary factor IX deficiency disease (HEMB). Also called: Hemophilia B; F9 DEFICIENCY; FACTOR IX DEFICIENCY; PLASMA THROMBOPLASTIN COMPONENT DEFICIENCY; Christmas Disease. Identifiers: Orphanet 98879, MedGen C0008533, MeSH D002836, MONDO:0010604, OMIM 306900.
Hereditary factor VIII deficiency disease (HEMA). Also called: Hemophilia A, congenital; HEM A; Factor 8 deficiency, congenital; HEMOPHILIA, CLASSIC; Hemophilia A; AUTOSOMAL HEMOPHILIA A. Identifiers: Orphanet 98878, MedGen C0019069, MONDO:0010602, OMIM 306700.

Allele frequency attached by ClinVar (database versions not stated): gnomAD exomes below 0.00001.
gnomAD v4.1: 2 of 1,200,165 alleles (0.00017%); highest among the groups gnomAD compares: Non-Finnish European, 0.00023%; no homozygotes.

Submissions (4):

GeneDx
Classification: Pathogenic. Last evaluated: 2025-02-04. Review status: criteria provided, single submitter. Criteria: GeneDx Variant Classification Process June 2021. Collection method: clinical testing. Allele origin: germline. Affected: yes.
Comment: Not observed at significant frequency in large population cohorts (gnomAD); In silico analysis supports that this missense variant has a deleterious effect on protein structure/function; This variant is associated with the following publications: (PMID: 31064749, 11848452, 10404764, 19473423)

ARUP Laboratories, Molecular Genetics and Genomics, ARUP Laboratories
Classification: Pathogenic for Hereditary factor VIII deficiency disease. Last evaluated: 2020-11-02. Review status: criteria provided, single submitter. Criteria: ARUP Molecular Germline Variant Investigation Process 2021. Collection method: clinical testing. Allele origin: germline.
Comment: The F8 c.6104T>C; p.Val2035Ala variant (rs1603432906), also known as Val2016Ala in traditional nomenclature, is reported in the literature in several individuals and families with mild to moderate hemophilia A (Green 2008, Repesse 2007, Rydz 2013, Waseem 1999). Additionally, other variants at this codon (p.Val2035Glu, p.Val2035Gly, p.Val2035Met) have been reported in individuals with hemophilia A (see link to F8 database and references therein, Rydz 2013).The c.6104T>C; p.Val2035Ala variant is listed in the ClinVar database (Variation ID: 627347) but is absent from general population databases (Exome Variant Server, Genome Aggregation Database), indicating it is not a common polymorphism. The valine at codon 2035 is highly conserved, and computational analyses predict that this variant is deleterious (REVEL: 0.950). Based on available information, this variant is considered to be pathogenic. References: Link to F8 database: Green PM et al. Haemophilia A mutations in the UK: results of screening one-third of the population. Br J Haematol. 2008 Oct;143(1):115-28. Repesse Y et al. Factor VIII (FVIII) gene mutations in 120 patients with hemophilia A: detection of 26 novel mutations and correlation with FVIII inhibitor development. J Thromb Haemost. 2007 Jul;5(7):1469-76. Rydz N et al. The Canadian "National Program for hemophilia mutation testing" database: a ten-year review. Am J Hematol. 2013 Dec;88(12):1030-4. doi: 10.1002/ajh.23557. Waseem NH et al. Start of UK confidential haemophilia A database: analysis of 142 patients by solid phase fluorescent chemical cleavage of mismatch. Haemophilia Centres. Thromb Haemost. 1999 Jun;81(6):900-5.

NIHR Bioresource Rare Diseases, University of Cambridge
Classification: Pathogenic for Hereditary factor IX deficiency disease. Last evaluated: 2019-02-01. Review status: criteria provided, single submitter. Criteria: ACMG Guidelines, 2015. Collection method: research. Allele origin: unknown. Affected: yes. Observed: 1 hemizygote. Study: ThromboGenomics.

ISTH-SSC Genomics in Thrombosis and Hemostasis, KU Leuven, Center for Molecular and Vascular Biology
Classification: Pathogenic for Hereditary factor VIII deficiency disease. Review status: no assertion criteria provided. Collection method: clinical testing. Allele origin: maternal. Affected: yes. Not counted in ClinVar's aggregate classification.
Comment: Submitted to GoldVariant by Bilal Jradeh from Katharine Dormandy Haemophilia and Thrombosis Centre, Royal Free Hospital, London, UK

Literature cited by the submitters: PubMed 31064749 (cited by NIHR Bioresource Rare Diseases, University of Cambridge).